The following is an entry in ClinVar:

NM_000138.5(FBN1):c.8009A>G (p.Tyr2670Cys)

Gene: FBN1 (fibrillin 1; minus strand). Cytogenetic location: 15q21.1.
Variant type: single nucleotide variant.
Coding change: c.8009A>G on transcript NM_000138.5 (MANE Select); coding-DNA position 8009, A replaced by G.
Protein change: p.Tyr2670Cys; replaces tyrosine 2670 with cysteine.
Molecular consequence: missense variant.
Genome position (GRCh38, 1-based): chr15:48,415,578, T>C on the plus strand (A>G on the coding strand, the complement: FBN1 is on the minus strand). VCF-style: chr15-48415578-T-C. GRCh37 (hg19) VCF-style: chr15-48707775-T-C.
Other names: short protein forms Y2670C.
Identifiers: ClinVar variation 200201 (VCV000200201.8), dbSNP rs794728339, ClinGen allele CA017511.
Genomic context (GRCh38, chr15:48,415,578, plus strand): 5'-AGGAAGAGCACTGCTTACCCTTGGCCTATGCGGAAGTAACCAGGTGGACAGCCACACAGG[T>C]AACCGCCCTCGGTATTGGAACAGCCATAGCTGCAGGGGGCCTGCGCAGAGCCACATTCAT-3'
Protein context (NP_000129.3, residues 2660-2680): SYGCSNTEGG[Tyr2670Cys]LCGCPPGYFR

ClinVar aggregate classification (germline): Likely pathogenic (1 of 4 stars; one submission).

Conditions:
Marfan syndrome (MFS). Also called: MARFAN SYNDROME, TYPE I; FBN1-Related Marfan Syndrome; Marfan syndrome, classic; Marfan syndrome type 1; Marfan's syndrome. Identifiers: Orphanet 284963, Orphanet 558, MedGen C0024796, MONDO:0007947, OMIM 154700.
Familial thoracic aortic aneurysm and aortic dissection (TAAD). Also called: Thoracic aortic aneurysms and dissections. Identifiers: Orphanet 91387, MedGen C4707243, MONDO:0019625.

Submission:

Labcorp Genetics (formerly Invitae), Labcorp
Classification: Likely pathogenic for Marfan syndrome; Familial thoracic aortic aneurysm and aortic dissection. Last evaluated: 2023-03-13. Review status: criteria provided, single submitter. Criteria: Invitae Variant Classification Sherloc (09022015). Collection method: clinical testing. Allele origin: germline.
Comment: This sequence change replaces tyrosine, which is neutral and polar, with cysteine, which is neutral and slightly polar, at codon 2670 of the FBN1 protein (p.Tyr2670Cys). ClinVar contains an entry for this variant (Variation ID: 200201). Advanced modeling of protein sequence and biophysical properties (such as structural, functional, and spatial information, amino acid conservation, physicochemical variation, residue mobility, and thermodynamic stability) performed at Invitae indicates that this missense variant is expected to disrupt FBN1 protein function. In summary, the currently available evidence indicates that the variant is pathogenic, but additional data are needed to prove that conclusively. Therefore, this variant has been classified as Likely Pathogenic. This variant is not present in population databases (gnomAD no frequency). This missense change has been observed in individual(s) with Marfan syndrome (Invitae). It has also been observed to segregate with disease in related individuals.